The following is an entry in ClinVar:

NM_005097.4(LGI1):c.287+1G>C

Gene: LGI1 (leucine rich glioma inactivated 1; plus strand). Cytogenetic location: 10q23.33.
Variant type: single nucleotide variant.
Coding change: c.287+1G>C on transcript NM_005097.4 (MANE Select); the canonical splice donor site of the intron after coding-DNA position 287, G replaced by C.
Molecular consequence: splice donor variant.
Genome position (GRCh38, 1-based): chr10:93,758,832, G>C. VCF-style: chr10-93758832-G-C. GRCh37 (hg19) VCF-style: chr10-95518589-G-C.
Other names: c.287+1G>C (NM_001308275.2, NM_001308276.2).
Identifiers: ClinVar variation 3649253 (VCV003649253.2).

ClinVar aggregate classification (germline): Likely pathogenic (1 of 4 stars; one submission).

Conditions:
Autosomal dominant epilepsy with auditory features. Identifiers: Orphanet 101046, MedGen C1838062, MONDO:0010898.

Submission:

Labcorp Genetics (formerly Invitae), Labcorp
Classification: Likely pathogenic for Autosomal dominant epilepsy with auditory features. Last evaluated: 2024-04-15. Review status: criteria provided, single submitter. Criteria: Invitae Variant Classification Sherloc (09022015). Collection method: clinical testing. Allele origin: germline.
Comment: This sequence change affects a donor splice site in intron 2 of the LGI1 gene. It is expected to disrupt RNA splicing. Variants that disrupt the donor or acceptor splice site typically lead to a loss of protein function (PMID: 16199547), and loss-of-function variants in LGI1 are known to be pathogenic (PMID: 24206907). This variant is not present in population databases (gnomAD no frequency). This variant has not been reported in the literature in individuals affected with LGI1-related conditions. Algorithms developed to predict the effect of sequence changes on RNA splicing suggest that this variant may disrupt the consensus splice site. In summary, the currently available evidence indicates that the variant is pathogenic, but additional data are needed to prove that conclusively. Therefore, this variant has been classified as Likely Pathogenic.

Literature cited by the submitters: PubMed 16199547; PubMed 24206907.